The following is an entry in ClinVar:

NM_001376.5(DYNC1H1):c.2585G>A (p.Arg862His)

Gene: DYNC1H1 (dynein cytoplasmic 1 heavy chain 1; plus strand). Cytogenetic location: 14q32.31.
Variant type: single nucleotide variant.
Coding change: c.2585G>A on transcript NM_001376.5 (MANE Select); coding-DNA position 2585, G replaced by A.
Protein change: p.Arg862His; replaces arginine 862 with histidine.
Molecular consequence: missense variant.
Genome position (GRCh38, 1-based): chr14:101,987,499, G>A. VCF-style: chr14-101987499-G-A. GRCh37 (hg19) VCF-style: chr14-102453836-G-A.
Other names: short protein forms R862H.
Identifiers: ClinVar variation 1526299 (VCV001526299.6), dbSNP rs2141275779, ClinGen allele CA391026960.

ClinVar aggregate classification (germline): Uncertain significance. Review status: criteria provided, multiple submitters, no conflicts (2 of 4 stars). 3 submissions from 3 submitters: Uncertain significance (3). Last evaluated 2024-07-31.

Conditions:
Charcot-Marie-Tooth disease axonal type 2O. Also called: CHARCOT-MARIE-TOOTH NEUROPATHY, AXONAL, TYPE 2O; CHARCOT-MARIE-TOOTH DISEASE, AXONAL, AUTOSOMAL DOMINANT, TYPE 2O; Charcot-Marie-Tooth Neuropathy Type 2O; Charcot-Marie-Tooth disease, axonal, type 20. Identifiers: Orphanet 284232, MedGen C3280220, MONDO:0013644, OMIM 614228.

Allele frequency attached by ClinVar (database versions not stated): gnomAD exomes below 0.00001.
gnomAD v4.1: 7 of 1,614,158 alleles (0.00043%); highest among the groups gnomAD compares: Non-Finnish European, 0.00051%; no homozygotes.

Submissions (3):

Labcorp Genetics (formerly Invitae), Labcorp
Classification: Uncertain significance for Charcot-Marie-Tooth disease axonal type 2O. Last evaluated: 2024-07-31. Review status: criteria provided, single submitter. Criteria: Invitae Variant Classification Sherloc (09022015). Collection method: clinical testing. Allele origin: germline.
Comment: This sequence change replaces arginine, which is basic and polar, with histidine, which is basic and polar, at codon 862 of the DYNC1H1 protein (p.Arg862His). This variant is not present in population databases (gnomAD no frequency). This variant has not been reported in the literature in individuals affected with DYNC1H1-related conditions. ClinVar contains an entry for this variant (Variation ID: 1526299). Advanced modeling of protein sequence and biophysical properties (such as structural, functional, and spatial information, amino acid conservation, physicochemical variation, residue mobility, and thermodynamic stability) performed at Invitae indicates that this missense variant is not expected to disrupt DYNC1H1 protein function with a negative predictive value of 95%. In summary, the available evidence is currently insufficient to determine the role of this variant in disease. Therefore, it has been classified as a Variant of Uncertain Significance.

Revvity Omics, Revvity
Classification: Uncertain significance. Last evaluated: 2023-01-30. Review status: criteria provided, single submitter. Criteria: ACMG Guidelines, 2015. Collection method: clinical testing. Allele origin: germline.

GeneDx
Classification: Uncertain significance. Last evaluated: 2022-03-24. Review status: criteria provided, single submitter. Criteria: GeneDx Variant Classification Process June 2021. Collection method: clinical testing. Allele origin: germline. Affected: yes.
Comment: Not observed at significant frequency in large population cohorts (gnomAD); In silico analysis supports that this missense variant does not alter protein structure/function; Has not been previously published as pathogenic or benign to our knowledge; This variant is associated with the following publications: (PMID: 25609763, 25512093, 26100331)